The following is an entry in ClinVar:

ClinVar aggregate classification (germline): Conflicting classifications of pathogenicity. Review status: criteria provided, conflicting classifications (1 of 4 stars). 4 submissions from 4 submitters: Uncertain significance (3); Likely benign (1). Last evaluated 2025-08-25.

Conditions:
Inborn genetic diseases. Identifiers: MedGen C0950123, MeSH D030342.

Allele frequency attached by ClinVar (database versions not stated): gnomAD 0.00001; gnomAD exomes 0.00001; ExAC 0.00003; TOPMed 0.00005.
gnomAD v4.1: 17 of 1,612,270 alleles (0.0011%); highest among the groups gnomAD compares: Admixed American, 0.027%; no homozygotes.

Submissions (4):

Ambry Genetics
Classification: Uncertain significance for Inborn genetic diseases. Last evaluated: 2025-08-25. Review status: criteria provided, single submitter. Criteria: Ambry Variant Classification Scheme 2023. Collection method: clinical testing. Allele origin: germline.

Labcorp Genetics (formerly Invitae), Labcorp
Classification: Uncertain significance. Last evaluated: 2025-05-22. Review status: criteria provided, single submitter. Criteria: Invitae Variant Classification Sherloc (09022015). Collection method: clinical testing. Allele origin: germline.
Comment: This sequence change replaces alanine, which is neutral and non-polar, with threonine, which is neutral and polar, at codon 732 of the ANKRD26 protein (p.Ala732Thr). This variant is present in population databases (rs780328600, gnomAD 0.04%). This variant has not been reported in the literature in individuals affected with ANKRD26-related conditions. ClinVar contains an entry for this variant (Variation ID: 2715937). An algorithm developed to predict the effect of missense changes on protein structure and function (PolyPhen-2) suggests that this variant is likely to be tolerated. In summary, the available evidence is currently insufficient to determine the role of this variant in disease. Therefore, it has been classified as a Variant of Uncertain Significance.

GeneDx
Classification: Uncertain significance. Last evaluated: 2024-06-17. Review status: criteria provided, single submitter. Criteria: GeneDx Variant Classification Process June 2021. Collection method: clinical testing. Allele origin: germline. Affected: yes.
Comment: In silico analysis indicates that this missense variant does not alter protein structure/function; Has not been previously published as pathogenic or benign to our knowledge

Blueprint Genetics
Classification: Likely benign. Last evaluated: 2021-03-16. Review status: criteria provided, single submitter. Criteria: ACMG Guidelines, 2015. Collection method: clinical testing. Allele origin: germline.

NM_014915.3(ANKRD26):c.2194G>A (p.Ala732Thr)

Gene: ANKRD26 (ankyrin repeat domain 26; minus strand). Cytogenetic location: 10p12.1.
Variant type: single nucleotide variant.
Coding change: c.2194G>A on transcript NM_014915.3 (MANE Select); coding-DNA position 2194, G replaced by A.
Protein change: p.Ala732Thr; replaces alanine 732 with threonine.
Molecular consequence: missense variant.
Genome position (GRCh38, 1-based): chr10:27,040,146, C>T on the plus strand (G>A on the coding strand, the complement: ANKRD26 is on the minus strand). VCF-style: chr10-27040146-C-T. GRCh37 (hg19) VCF-style: chr10-27329075-C-T.
Other names: c.2191G>A, p.Ala731Thr (NM_001256053.2); short protein forms A731T, A732T.
Identifiers: ClinVar variation 2715937 (VCV002715937.7), dbSNP rs780328600, ClinGen allele CA5448271.